The following is an entry in ClinVar:

NM_004415.4(DSP):c.183G>A (p.Thr61=)

Gene: DSP (desmoplakin; plus strand). Cytogenetic location: 6p24.3.
Variant type: single nucleotide variant.
Coding change: c.183G>A on transcript NM_004415.4 (MANE Select); coding-DNA position 183, G replaced by A.
Protein change: p.Thr61=; no amino-acid change (threonine 61 retained).
Molecular consequence: synonymous variant.
Genome position (GRCh38, 1-based): chr6:7,555,730, G>A. VCF-style: chr6-7555730-G-A. GRCh37 (hg19) VCF-style: chr6-7555963-G-A.
Other names: c.183G>A (LRG_423t1, NM_004415.3); c.183G>A, p.Thr61= (NM_001008844.3, NM_001319034.2).
Identifiers: ClinVar variation 386619 (VCV000386619.42), dbSNP rs150383703, ClinGen allele CA030230.

ClinVar aggregate classification (germline): Likely benign. Review status: criteria provided, multiple submitters, no conflicts (2 of 4 stars). 7 submissions from 7 submitters: Likely benign (7). Last evaluated 2025-12-24.

Conditions:
Cardiomyopathy (CMYO). Also called: Cardiomyopathies. Identifiers: Orphanet 167848, MedGen C0878544, MONDO:0004994, HP:0001638. Inheritance: Various modes of inheritance.
Arrhythmogenic cardiomyopathy with wooly hair and keratoderma. Also called: PALMOPLANTAR KERATODERMA WITH LEFT VENTRICULAR CARDIOMYOPATHY AND WOOLLY HAIR; Carvajal syndrome; Dilated cardiomyopathy with woolly hair and keratoderma; Arrhythmogenic cardiomyopathy with woolly hair and keratoderma. Identifiers: Orphanet 65282, MedGen C1854063, MONDO:0011581, OMIM 605676.
Cardiovascular phenotype. Identifiers: MedGen CN230736.
DSP-related disorder. Also called: DSP-related condition; DSP-related disorders.
Arrhythmogenic right ventricular dysplasia 8 (ARVD8). Also called: Arrhythmogenic Right Ventricular Dysplasia/Cardiomyopathy 8; ARRHYTHMOGENIC RIGHT VENTRICULAR DYSPLASIA, FAMILIAL, 8; ARRHYTHMOGENIC RIGHT VENTRICULAR CARDIOMYOPATHY 8. Identifiers: MedGen C1843896, MONDO:0011831, OMIM 607450.

Allele frequency attached by ClinVar (database versions not stated): gnomAD exomes 0.00001 and 0.00005; ExAC 0.00005; gnomAD 0.00006; TOPMed 0.00007; ESP Exome Variant Server 0.00015; 1000 Genomes Project 30x 0.00016; 1000 Genomes Project 0.00020.
gnomAD v4.1: 33 of 1,614,186 alleles (0.002%); highest among the groups gnomAD compares: African/African-American, 0.025%; no homozygotes.

Submissions (7):

Labcorp Genetics (formerly Invitae), Labcorp
Classification: Likely benign for Arrhythmogenic cardiomyopathy with wooly hair and keratoderma; Arrhythmogenic right ventricular dysplasia 8. Last evaluated: 2025-12-24. Review status: criteria provided, single submitter. Criteria: Invitae Variant Classification Sherloc (09022015). Collection method: clinical testing. Allele origin: germline.

PreventionGenetics, part of Exact Sciences
Classification: Likely benign for DSP-related condition. Last evaluated: 2025-03-18. Review status: criteria provided, single submitter. Criteria: ACMG Guidelines, 2015. Collection method: clinical testing. Allele origin: germline.
Comment: This variant is classified as likely benign based on ACMG/AMP sequence variant interpretation guidelines (Richards et al. 2015 PMID: 25741868, with internal and published modifications).

All of Us Research Program, National Institutes of Health
Classification: Likely benign for Arrhythmogenic cardiomyopathy with wooly hair and keratoderma. Last evaluated: 2023-11-20. Review status: criteria provided, single submitter. Criteria: ACMG Guidelines, 2015. Collection method: clinical testing. Allele origin: germline. Inheritance: Autosomal dominant inheritance. Observed: 4 variant alleles, 4 heterozygotes.
Comment: This study involves interpretation of variants in research participants for the purpose of population health screening. Participant phenotype was not available at the time of variant classification. Additional details can be found in publication PMID: 35346344, PMCID: PMC8962531

CeGaT Center for Human Genetics Tuebingen
Classification: Likely benign. Last evaluated: 2022-09-01. Review status: criteria provided, single submitter. Criteria: CeGaT Center For Human Genetics Tuebingen Variant Classification Criteria Version 2. Collection method: clinical testing. Allele origin: germline. Affected: yes. Observed: 1 variant allele.
Comment: DSP: BP4, BP7

Ambry Genetics
Classification: Likely benign for Cardiovascular phenotype. Last evaluated: 2021-01-26. Review status: criteria provided, single submitter. Criteria: Ambry Variant Classification Scheme 2023. Collection method: clinical testing. Allele origin: germline.

Color Diagnostics, LLC DBA Color Health
Classification: Likely benign for Cardiomyopathy. Last evaluated: 2018-10-30. Review status: criteria provided, single submitter. Criteria: ACMG Guidelines, 2015. Collection method: clinical testing. Allele origin: germline.

GeneDx
Classification: Likely benign. Last evaluated: 2016-05-27. Review status: criteria provided, single submitter. Criteria: GeneDx Variant Classification (06012015). Collection method: clinical testing. Allele origin: germline. Affected: yes.
Comment: This variant is considered likely benign or benign based on one or more of the following criteria: it is a conservative change, it occurs at a poorly conserved position in the protein, it is predicted to be benign by multiple in silico algorithms, and/or has population frequency not consistent with disease.